The following is an entry in ClinVar:

NM_001023.4(RPS20):c.71T>G (p.Leu24Arg)

Gene: RPS20 (ribosomal protein S20; minus strand). Cytogenetic location: 8q12.1.
Variant type: single nucleotide variant.
Coding change: c.71T>G on transcript NM_001023.4 (MANE Select); coding-DNA position 71, T replaced by G.
Protein change: p.Leu24Arg; replaces leucine 24 with arginine.
Molecular consequence: missense variant.
Genome position (GRCh38, 1-based): chr8:56,074,092, A>C on the plus strand (T>G on the coding strand, the complement: RPS20 is on the minus strand). VCF-style: chr8-56074092-A-C. GRCh37 (hg19) VCF-style: chr8-56986651-A-C.
Other names: c.71T>G, p.Leu24Arg (NM_001146227.3); short protein forms L24R.
Identifiers: ClinVar variation 4841528 (VCV004841528.1).

ClinVar aggregate classification (germline): Uncertain significance (1 of 4 stars; one submission).

Submission:

Ambry Genetics
Classification: Uncertain significance. Last evaluated: 2026-01-14. Review status: criteria provided, single submitter. Criteria: Ambry Variant Classification Scheme 2023. Collection method: clinical testing. Allele origin: germline.
Comment: The p.L24R variant (also known as c.71T>G), located in coding exon 2 of the RPS20 gene, results from a T to G substitution at nucleotide position 71. The leucine at codon 24 is replaced by arginine, an amino acid with dissimilar properties. This amino acid position is conserved. In addition, this alteration is predicted to be deleterious by in silico analysis. Based on the available evidence, the clinical significance of this variant remains unclear.